The following is an entry in ClinVar:

ClinVar aggregate classification (germline): Uncertain significance (1 of 4 stars; one submission).

gnomAD v4.1: 19 of 1,600,354 alleles (0.0012%); highest among the groups gnomAD compares: Non-Finnish European, 0.00017%; no homozygotes.

Submission:

Labcorp Genetics (formerly Invitae), Labcorp
Classification: Uncertain significance. Last evaluated: 2025-08-29. Review status: criteria provided, single submitter. Criteria: Invitae Variant Classification Sherloc (09022015). Collection method: clinical testing. Allele origin: germline.
Comment: This sequence change replaces asparagine, which is neutral and polar, with histidine, which is basic and polar, at codon 248 of the FAR1 protein (p.Asn248His). This variant is present in population databases (rs765221802, gnomAD 0.04%). This variant has not been reported in the literature in individuals affected with FAR1-related conditions. Invitae Evidence Modeling of protein sequence and biophysical properties (such as structural, functional, and spatial information, amino acid conservation, physicochemical variation, residue mobility, and thermodynamic stability) indicates that this missense variant is not expected to disrupt FAR1 protein function with a negative predictive value of 80%. In summary, the available evidence is currently insufficient to determine the role of this variant in disease. Therefore, it has been classified as a Variant of Uncertain Significance.

NM_032228.6(FAR1):c.742A>C (p.Asn248His)

Gene: FAR1 (fatty acyl-CoA reductase 1; plus strand). Cytogenetic location: 11p15.3.
Variant type: single nucleotide variant.
Coding change: c.742A>C on transcript NM_032228.6 (MANE Select); coding-DNA position 742, A replaced by C.
Protein change: p.Asn248His; replaces asparagine 248 with histidine.
Molecular consequence: missense variant. On other transcripts: intron variant (3).
Genome position (GRCh38, 1-based): chr11:13,711,782, A>C. VCF-style: chr11-13711782-A-C. GRCh37 (hg19) VCF-style: chr11-13733329-A-C.
Other names: c.742A>C, p.Asn248His (NM_001441242.1, NM_001441243.1, NM_001441245.1 and 1 more transcripts); c.562A>C, p.Asn188His (NM_001441246.1); c.564A>C, p.Leu188Phe (NM_001441248.1); c.724-146A>C (NM_001441244.1); c.546-1184A>C (NM_001441249.1); c.545+3703A>C (NM_001441250.1); short protein forms N248H, L188F, N188H.
Identifiers: ClinVar variation 4742550 (VCV004742550.1).